The following is an entry in ClinVar:

ClinVar aggregate classification (germline): Pathogenic. Review status: criteria provided, multiple submitters, no conflicts (2 of 4 stars). 4 submissions from 4 submitters: Pathogenic (4). Last evaluated 2025-11-15.

Conditions:
Duchenne muscular dystrophy (DMD). Also called: Duchenne Muscular Dystrophy (DMD); MUSCULAR DYSTROPHY, PSEUDOHYPERTROPHIC PROGRESSIVE, DUCHENNE TYPE. Identifiers: Orphanet 98896, MedGen C0013264, MONDO:0010679, OMIM 310200.

Submissions (4):

Labcorp Genetics (formerly Invitae), Labcorp
Classification: Pathogenic for Duchenne muscular dystrophy. Last evaluated: 2025-11-15. Review status: criteria provided, single submitter. Criteria: Invitae Variant Classification Sherloc (09022015). Collection method: clinical testing. Allele origin: germline.
Comment: This sequence change creates a premature translational stop signal (p.Trp3061*) in the DMD gene. It is expected to result in an absent or disrupted protein product. Loss-of-function variants in DMD are known to be pathogenic (PMID: 16770791, 25007885). This variant is not present in population databases (gnomAD no frequency). This premature translational stop signal has been observed in individuals with Duchenne muscular dystrophy (PMID: 10196701, 19760747, 21520333, 28859693). This variant is also known as G9391A. ClinVar contains an entry for this variant (Variation ID: 526087). For these reasons, this variant has been classified as Pathogenic.

Revvity Omics, Revvity
Classification: Pathogenic. Last evaluated: 2025-03-25. Review status: criteria provided, single submitter. Criteria: ACMG Guidelines, 2015. Collection method: clinical testing. Allele origin: germline.

Laboratory of Medical Genetics, National & Kapodistrian University of Athens
Classification: Pathogenic for Duchenne muscular dystrophy. Last evaluated: 2022-12-16. Review status: criteria provided, single submitter. Criteria: ACMG Guidelines, 2015. Collection method: clinical testing. Allele origin: germline. Affected: yes.
Comment: PVS1, PM2, PP5

MGZ Medical Genetics Center
Classification: Pathogenic for Duchenne muscular dystrophy. Last evaluated: 2022-06-29. Review status: criteria provided, single submitter. Criteria: ACMG Guidelines, 2015. Collection method: clinical testing. Allele origin: germline. Affected: yes. Observed: 1 variant allele.
Comment: ACMG criteria applied: PVS1, PS4_SUP, PM2_SUP

Literature cited by the submitters: PubMed 16770791 (cited by Labcorp Genetics (formerly Invitae), Labcorp); PubMed 25007885 (cited by Labcorp Genetics (formerly Invitae), Labcorp); PubMed 10196701 (cited by Labcorp Genetics (formerly Invitae), Labcorp); PubMed 19760747 (cited by Labcorp Genetics (formerly Invitae), Labcorp); PubMed 21520333 (cited by Labcorp Genetics (formerly Invitae), Labcorp); PubMed 28859693 (cited by Labcorp Genetics (formerly Invitae), Labcorp).

NM_004006.3(DMD):c.9183G>A (p.Trp3061Ter)

Gene: DMD (dystrophin; minus strand). Cytogenetic location: Xp21.2.
Variant type: single nucleotide variant.
Coding change: c.9183G>A on transcript NM_004006.3 (MANE Select); coding-DNA position 9183, G replaced by A.
Protein change: p.Trp3061Ter; replaces tryptophan 3061 with a stop codon.
Molecular consequence: nonsense.
Genome position (GRCh38, 1-based): chrX:31,323,639, C>T on the plus strand (G>A on the coding strand, the complement: DMD is on the minus strand). VCF-style: chrX-31323639-C-T. GRCh37 (hg19) VCF-style: chrX-31341756-C-T.
Other names: c.9159G>A, p.Trp3053Ter (NM_000109.4); c.9171G>A, p.Trp3057Ter (NM_004009.3); c.8814G>A, p.Trp2938Ter (NM_004010.3); c.5160G>A, p.Trp1720Ter (NM_004011.4); c.5151G>A, p.Trp1717Ter (NM_004012.4); c.1803G>A, p.Trp601Ter (NM_004013.3, NM_004020.4, NM_004021.3 and 2 more transcripts); c.996G>A, p.Trp332Ter (NM_004014.3); short protein forms W3061*, W3057*, W332*, W3053*, W1720*, W601*, W1717*, W2938*.
Identifiers: ClinVar variation 526087 (VCV000526087.12), dbSNP rs1556503937, ClinGen allele CA412651708.